The following is an entry in ClinVar:

NM_001100.4(ACTA1):c.898G>T (p.Val300Phe)

Gene: ACTA1 (actin alpha 1, skeletal muscle; minus strand). Cytogenetic location: 1q42.13.
Variant type: single nucleotide variant.
Coding change: c.898G>T on transcript NM_001100.4 (MANE Select); coding-DNA position 898, G replaced by T.
Protein change: p.Val300Phe; replaces valine 300 with phenylalanine.
Molecular consequence: missense variant.
Genome position (GRCh38, 1-based): chr1:229,431,813, C>A on the plus strand (G>T on the coding strand, the complement: ACTA1 is on the minus strand). VCF-style: chr1-229431813-C-A. GRCh37 (hg19) VCF-style: chr1-229567560-C-A.
Other names: short protein forms V300F.
Identifiers: ClinVar variation 464136 (VCV000464136.14), dbSNP rs1553255349, ClinGen allele CA345145766.

ClinVar aggregate classification (germline): Uncertain significance (1 of 4 stars; one submission).

Conditions:
Actin accumulation myopathy (CMYO2A). Also called: CONGENITAL MYOPATHY 2A, TYPICAL, AUTOSOMAL DOMINANT; Myopathy, actin, congenital, with cores; Nemaline myopathy 3, with intranuclear rods; Nemaline myopathy type 3; Myopathy, actin, congenital, with excess of thin myofilaments. Identifiers: Orphanet 98904, MedGen C3711389, MONDO:0008070, OMIM 161800.

Submission:

Labcorp Genetics (formerly Invitae), Labcorp
Classification: Uncertain significance for Actin accumulation myopathy. Last evaluated: 2016-07-31. Review status: criteria provided, single submitter. Criteria: Invitae Variant Classification Sherloc (09022015). Collection method: clinical testing. Allele origin: germline.
Comment: This sequence change replaces valine with phenylalanine at codon 300 of the ACTA1 protein (p.Val300Phe). The valine residue is highly conserved and there is a small physicochemical difference between valine and phenylalanine. This variant is not present in population databases (ExAC no frequency) and has not been reported in the literature in individuals with a ACTA1-related disease. However, substitutions of nearby amino acids (e.g., p.Met301Lys) are reported to be causative for congenital myopathy (PMID: 19562689). Algorithms developed to predict the effect of missense changes on protein structure and function (SIFT, PolyPhen-2, Align-GVGD) all suggest that this variant is likely to be disruptive, but these predictions have not been confirmed by published functional studies. In summary, this variant is a rare missense change with uncertain impact on protein function. Therefore, it has been classified as a Variant of Uncertain Significance.

Literature cited by the submitters: PubMed 19562689.